The following is an entry in ClinVar:

ClinVar aggregate classification (germline): Conflicting classifications of pathogenicity. Review status: criteria provided, conflicting classifications (1 of 4 stars). 3 submissions from 3 submitters: Uncertain significance (2); Likely benign (1). Last evaluated 2024-11-11.

Conditions:
Inborn genetic diseases. Identifiers: MedGen C0950123, MeSH D030342.

Allele frequency attached by ClinVar (database versions not stated): gnomAD exomes 0.00001; ExAC 0.00004; gnomAD 0.00006; TOPMed 0.00007; ESP Exome Variant Server 0.00008.
gnomAD v4.1: 64 of 1,613,842 alleles (0.004%); highest among the groups gnomAD compares: East Asian, 0.022%; 1 homozygote.

Submissions (3):

Labcorp Genetics (formerly Invitae), Labcorp
Classification: Uncertain significance. Last evaluated: 2024-11-11. Review status: criteria provided, single submitter. Criteria: Invitae Variant Classification Sherloc (09022015). Collection method: clinical testing. Allele origin: germline.
Comment: This sequence change replaces glutamic acid, which is acidic and polar, with glutamine, which is neutral and polar, at codon 257 of the MTTP protein (p.Glu257Gln). This variant is present in population databases (rs139490666, gnomAD 0.03%). This variant has not been reported in the literature in individuals affected with MTTP-related conditions. ClinVar contains an entry for this variant (Variation ID: 2064633). Invitae Evidence Modeling of protein sequence and biophysical properties (such as structural, functional, and spatial information, amino acid conservation, physicochemical variation, residue mobility, and thermodynamic stability) indicates that this missense variant is not expected to disrupt MTTP protein function with a negative predictive value of 80%. In summary, the available evidence is currently insufficient to determine the role of this variant in disease. Therefore, it has been classified as a Variant of Uncertain Significance.

Blueprint Genetics
Classification: Uncertain significance. Last evaluated: 2024-06-17. Review status: criteria provided, single submitter. Criteria: ACMG Guidelines, 2015. Collection method: clinical testing. Allele origin: germline.

Ambry Genetics
Classification: Likely benign for Inborn genetic diseases. Last evaluated: 2024-02-08. Review status: criteria provided, single submitter. Criteria: Ambry Variant Classification Scheme 2023. Collection method: clinical testing. Allele origin: germline.

Literature cited by the submitters: PubMed 36413997 (cited by Ambry Genetics).

NM_001386140.1(MTTP):c.769G>C (p.Glu257Gln)

Gene: MTTP (microsomal triglyceride transfer protein; plus strand). Cytogenetic location: 4q23.
Variant type: single nucleotide variant.
Coding change: c.769G>C on transcript NM_001386140.1 (MANE Select); coding-DNA position 769, G replaced by C.
Protein change: p.Glu257Gln; replaces glutamic acid 257 with glutamine.
Molecular consequence: missense variant.
Genome position (GRCh38, 1-based): chr4:99,594,743, G>C. VCF-style: chr4-99594743-G-C. GRCh37 (hg19) VCF-style: chr4-100515900-G-C.
Other names: c.769G>C, p.Glu257Gln (NM_000253.4); c.520G>C, p.Glu174Gln (NM_001300785.2); c.769G>C (NM_000253.2); short protein forms E257Q, E174Q.
Identifiers: ClinVar variation 2064633 (VCV002064633.5), dbSNP rs139490666, ClinGen allele CA3021948.